The following is an entry in ClinVar:

NM_001042492.3(NF1):c.3079G>A (p.Asp1027Asn)

Gene: NF1 (neurofibromin 1; plus strand). Cytogenetic location: 17q11.2.
Variant type: single nucleotide variant.
Coding change: c.3079G>A on transcript NM_001042492.3 (MANE Select); coding-DNA position 3079, G replaced by A.
Protein change: p.Asp1027Asn; replaces aspartic acid 1027 with asparagine.
Molecular consequence: missense variant.
Genome position (GRCh38, 1-based): chr17:31,230,348, G>A. VCF-style: chr17-31230348-G-A. GRCh37 (hg19) VCF-style: chr17-29557366-G-A.
Other names: c.3079G>A, p.Asp1027Asn (NM_000267.4); short protein forms D1027N.
Identifiers: ClinVar variation 639288 (VCV000639288.15), dbSNP rs774066804, ClinGen allele CA8486079.
Genomic context (GRCh38, chr17:31,230,348, plus strand): 5'-CATGCAATTCAAATAAAAACGAAACTGTGTCAATTAGTTGAAGTAATGATGGCAAGGAGA[G>A]ATGACCTCTCATTTTGCCAAGAGATGAAATTTAGGTGAGTTCTCAAAAGAGCAATGTAGG-3'
Protein context (NP_001035957.1, residues 1017-1037): QLVEVMMARR[Asp1027Asn]DLSFCQEMKF

ClinVar aggregate classification (germline): Conflicting classifications of pathogenicity. Review status: criteria provided, conflicting classifications (1 of 4 stars). 6 submissions from 6 submitters: Uncertain significance (5); Likely benign (1). Last evaluated 2025-10-22.

Conditions:
Hereditary cancer-predisposing syndrome. Also called: Hereditary Cancer Syndrome; Neoplastic Syndromes, Hereditary; Tumor predisposition; Hereditary neoplastic syndrome. Identifiers: Orphanet 140162, MedGen C0027672, MeSH D009386, MONDO:0015356.
Cardiovascular phenotype. Identifiers: MedGen CN230736.
Juvenile myelomonocytic leukemia (JMML). Also called: LEUKEMIA, JUVENILE MYELOMONOCYTIC, SOMATIC. Identifiers: Orphanet 86834, MedGen C0349639, MONDO:0011908, OMIM 607785, HP:0012209.
Neurofibromatosis, type 1 (NF1). Also called: NEUROFIBROMATOSIS, TYPE I, SOMATIC; VON RECKLINGHAUSEN DISEASE; Peripheral type neurofibromatosis; Neurofibromatosis, type I. Identifiers: Orphanet 636, MedGen C0027831, MONDO:0018975, OMIM 162200. Disease mechanism: loss of function.
NF1-related disorder. Also called: NF1-related condition. Identifiers: MedGen CN379171.

Allele frequency attached by ClinVar (database versions not stated): gnomAD exomes 0.00001; ExAC 0.00002.
gnomAD v4.1: 7 of 1,613,506 alleles (0.00043%); highest among the groups gnomAD compares: Non-Finnish European, 0.00059%; no homozygotes.

Submissions (6):

Ambry Genetics
Classification: Likely benign for Cardiovascular phenotype; Hereditary cancer-predisposing syndrome. Last evaluated: 2025-10-22. Review status: criteria provided, single submitter. Criteria: Ambry Variant Classification Scheme 2023. Collection method: clinical testing. Allele origin: germline.

Baylor Genetics
Classification: Uncertain significance for Juvenile myelomonocytic leukemia. Last evaluated: 2024-02-06. Review status: criteria provided, single submitter. Criteria: ACMG Guidelines, 2015. Collection method: clinical testing. Allele origin: unknown.

PreventionGenetics, part of Exact Sciences
Classification: Uncertain significance for NF1-related condition. Last evaluated: 2023-10-03. Review status: criteria provided, single submitter. Criteria: ACMG Guidelines, 2015. Collection method: clinical testing. Allele origin: germline.
Comment: The NF1 c.3079G>A variant is predicted to result in the amino acid substitution p.Asp1027Asn. To our knowledge, this variant has not been reported in the literature. This variant is reported in 0.0018% of alleles in individuals of European (Non-Finnish) descent in gnomAD. At this time, the clinical significance of this variant is uncertain due to the absence of conclusive functional and genetic evidence.

Labcorp Genetics (formerly Invitae), Labcorp
Classification: Uncertain significance for Neurofibromatosis, type 1. Last evaluated: 2022-10-07. Review status: criteria provided, single submitter. Criteria: Invitae Variant Classification Sherloc (09022015). Collection method: clinical testing. Allele origin: germline.
Comment: This sequence change replaces aspartic acid, which is acidic and polar, with asparagine, which is neutral and polar, at codon 1027 of the NF1 protein (p.Asp1027Asn). This variant is present in population databases (rs774066804, gnomAD 0.002%). This variant has not been reported in the literature in individuals affected with NF1-related conditions. ClinVar contains an entry for this variant (Variation ID: 639288). Advanced modeling of protein sequence and biophysical properties (such as structural, functional, and spatial information, amino acid conservation, physicochemical variation, residue mobility, and thermodynamic stability) performed at Invitae indicates that this missense variant is expected to disrupt NF1 protein function. In summary, the available evidence is currently insufficient to determine the role of this variant in disease. Therefore, it has been classified as a Variant of Uncertain Significance.

Genome-Nilou Lab
Classification: Uncertain significance for Neurofibromatosis, type 1. Last evaluated: 2022-03-15. Review status: criteria provided, single submitter. Criteria: ACMG Guidelines, 2015. Collection method: clinical testing. Allele origin: germline. Affected: no.

GeneDx
Classification: Uncertain significance. Last evaluated: 2021-06-18. Review status: criteria provided, single submitter. Criteria: GeneDx Variant Classification Process June 2021. Collection method: clinical testing. Allele origin: germline. Affected: yes.
Comment: In silico analysis supports that this missense variant has a deleterious effect on protein structure/function; Has not been previously published as pathogenic or benign to our knowledge; This variant is associated with the following publications: (PMID: 27535533, 25486365, 2121369)